The following is an entry in ClinVar:

ClinVar aggregate classification (germline): Likely pathogenic (1 of 4 stars; one submission).

Submission:

Human Genetics, Labor Berlin - Charité Vivantes GmbH
Classification: Likely pathogenic. Last evaluated: 2026-01-02. Review status: criteria provided, single submitter. Criteria: ACMG Guidelines, 2015. Collection method: clinical testing. Allele origin: germline. Inheritance: Autosomal recessive inheritance. Affected: yes. Observed: 1 homozygote.
Comment: Variant very rare and not homozygous in gnomad, NMD unlikely but loss of functional domain was shown by functional testing. Therefore the variant was classified as likely pathogenic (PVS1_strong, PM2_sup, PM3_sup, PS3_sup according to ACMG Guidelines 2015, Tavtigian et al. 2020 PMID:32720330 and Durkie et al. ACGS 2024)

NM_153631.3(HOXA3):c.562C>T (p.Gln188Ter)

Gene: HOXA3 (homeobox A3; minus strand). Cytogenetic location: 7p15.2.
Variant type: single nucleotide variant.
Coding change: c.562C>T on transcript NM_153631.3 (MANE Select); coding-DNA position 562, C replaced by T.
Protein change: p.Gln188Ter; replaces glutamine 188 with a stop codon.
Molecular consequence: nonsense.
Genome position (GRCh38, 1-based): chr7:27,108,685, G>A on the plus strand (C>T on the coding strand, the complement: HOXA3 is on the minus strand). VCF-style: chr7-27108685-G-A. GRCh37 (hg19) VCF-style: chr7-27148304-G-A.
Other names: c.562C>T, p.Gln188Ter (NM_001384345.1, NM_001384346.1, NM_030661.5 and 10 more transcripts); short protein forms Q188*.
Identifiers: ClinVar variation 4684972 (VCV004684972.1).